The following is an entry in ClinVar:

NM_014384.3(ACAD8):c.20G>C (p.Arg7Pro)

Gene: ACAD8 (acyl-CoA dehydrogenase family member 8; plus strand). Cytogenetic location: 11q25.
Variant type: single nucleotide variant.
Coding change: c.20G>C on transcript NM_014384.3 (MANE Select); coding-DNA position 20, G replaced by C.
Protein change: p.Arg7Pro; replaces arginine 7 with proline.
Molecular consequence: missense variant.
Genome position (GRCh38, 1-based): chr11:134,253,620, G>C. VCF-style: chr11-134253620-G-C. GRCh37 (hg19) VCF-style: chr11-134123514-G-C.
Identifiers: ClinVar variation 95584 (VCV000095584.19), dbSNP rs35181923, ClinGen allele CA148635.
Genomic context (GRCh38, chr11:134,253,620, plus strand): 5'-AGGCGTTCAGACTCTTAGCTGAACGCGGAGCTGCGGCGGCTATGCTGTGGAGCGGCTGCC[G>C]GCGTTTCGGGGCGCGCCTCGGCTGCCTGCCCGGCGGTCTCCGGGTCCTCGTCCAGACCGG-3'
Protein context (NP_055199.1, residues 1-17): MLWSGC[Arg7Pro]RFGARLGCLP

ClinVar aggregate classification (germline): Benign. Review status: criteria provided, multiple submitters, no conflicts (2 of 4 stars). 4 submissions from 4 submitters: Benign (4). Last evaluated 2026-02-01.

Conditions:
Deficiency of isobutyryl-CoA dehydrogenase. Also called: ACYL-CoA DEHYDROGENASE FAMILY, MEMBER 8, DEFICIENCY OF; ACAD8 DEFICIENCY; IBD DEFICIENCY. Identifiers: Orphanet 79159, MedGen C1969809, MONDO:0012648, OMIM 611283.

Allele frequency attached by ClinVar (database versions not stated): TOPMed 0.01125; 1000 Genomes Project 0.01078; 1000 Genomes Project 30x 0.01156; gnomAD 0.01086 and 0.01015; gnomAD exomes 0.00229; ExAC 0.00525; ESP Exome Variant Server 0.00901.

Submissions (4):

Labcorp Genetics (formerly Invitae), Labcorp
Classification: Benign for Deficiency of isobutyryl-CoA dehydrogenase. Last evaluated: 2026-02-01. Review status: criteria provided, single submitter. Criteria: Invitae Variant Classification Sherloc (09022015). Collection method: clinical testing. Allele origin: germline.

Illumina Laboratory Services, Illumina
Classification: Benign for Deficiency of isobutyryl-CoA dehydrogenase. Last evaluated: 2018-01-12. Review status: criteria provided, single submitter. Criteria: ICSL Variant Classification Criteria 13 December 2019. Collection method: clinical testing. Allele origin: germline.
Comment: This variant was observed in the ICSL laboratory as part of a predisposition screen in an ostensibly healthy population. It had not been previously curated by ICSL or reported in the Human Gene Mutation Database (HGMD: prior to June 1st, 2018), and was therefore a candidate for classification through an automated scoring system. Utilizing variant allele frequency, disease prevalence and penetrance estimates, and inheritance mode, an automated score was calculated to assess if this variant is too frequent to cause the disease. Based on the score and internal cut-off values, a variant classified as benign is not then subjected to further curation. The score for this variant resulted in a classification of benign for this disease.

Eurofins Ntd Llc (ga)
Classification: Benign. Last evaluated: 2013-03-08. Review status: criteria provided, single submitter. Criteria: EGL Classification Definitions 2015. Collection method: clinical testing. Allele origin: germline. Observed: 2 variant alleles, 2 heterozygotes.

Breakthrough Genomics
Classification: Benign. Review status: criteria provided, single submitter. Criteria: ACMG Guidelines, 2015. Collection method: not provided. Allele origin: germline. Inheritance: Autosomal recessive inheritance. Affected: yes.